The following is an entry in ClinVar:

ClinVar aggregate classification (germline): Likely benign. Review status: criteria provided, multiple submitters, no conflicts (2 of 4 stars). 2 submissions from 2 submitters: Likely benign (2). Last evaluated 2025-12-12.

Conditions:
ZNF423-related disorder. Also called: ZNF423-related condition.
Nephronophthisis 14 (NPHP14). Identifiers: Orphanet 2318, MedGen C3539071, MONDO:0013916, OMIM 614844.

gnomAD v4.1: 5 of 1,613,442 alleles (0.00031%); highest among the groups gnomAD compares: South Asian, 0.0022%; no homozygotes.

Submissions (2):

PreventionGenetics, part of Exact Sciences
Classification: Likely benign for ZNF423-related condition. Last evaluated: 2025-12-12. Review status: criteria provided, single submitter. Criteria: ACMG Guidelines, 2015. Collection method: clinical testing. Allele origin: germline.
Comment: This variant is classified as likely benign based on ACMG/AMP sequence variant interpretation guidelines (Richards et al. 2015 PMID: 25741868, with internal and published modifications).

Labcorp Genetics (formerly Invitae), Labcorp
Classification: Likely benign for Nephronophthisis 14. Last evaluated: 2024-06-20. Review status: criteria provided, single submitter. Criteria: Invitae Variant Classification Sherloc (09022015). Collection method: clinical testing. Allele origin: germline.

NM_001379286.1(ZNF423):c.2973G>A (p.Lys991=)

Gene: ZNF423 (zinc finger protein 423; minus strand). Cytogenetic location: 16q12.1.
Variant type: single nucleotide variant.
Coding change: c.2973G>A on transcript NM_001379286.1 (MANE Select); coding-DNA position 2973, G replaced by A.
Protein change: p.Lys991=; no amino-acid change (lysine 991 retained).
Molecular consequence: synonymous variant.
Genome position (GRCh38, 1-based): chr16:49,636,203, C>T on the plus strand (G>A on the coding strand, the complement: ZNF423 is on the minus strand). VCF-style: chr16-49636203-C-T. GRCh37 (hg19) VCF-style: chr16-49670114-C-T.
Other names: c.2769G>A, p.Lys923= (NM_001271620.2); c.2598G>A, p.Lys866= (NM_001330533.2); c.2949G>A, p.Lys983= (NM_015069.5); c.2949G>A (NM_015069.4).
Identifiers: ClinVar variation 3698324 (VCV003698324.3).